The following is an entry in ClinVar:

NM_020529.3(NFKBIA):c.52G>A (p.Asp18Asn)

Genes: NFKBIA (NFKB inhibitor alpha; minus strand), LOC130055497 (ATAC-STARR-seq lymphoblastoid silent region 5676; plus strand). Cytogenetic location: 14q13.2.
Variant type: single nucleotide variant.
Coding change: c.52G>A on transcript NM_020529.3 (MANE Select); coding-DNA position 52, G replaced by A.
Protein change: p.Asp18Asn; replaces aspartic acid 18 with asparagine.
Molecular consequence: missense variant.
Genome position (GRCh38, 1-based): chr14:35,404,593, C>T on the plus strand (G>A on the coding strand, the complement: NFKBIA is on the minus strand). VCF-style: chr14-35404593-C-T. GRCh37 (hg19) VCF-style: chr14-35873799-C-T.
Other names: short protein forms D18N.
Identifiers: ClinVar variation 842008 (VCV000842008.10), dbSNP rs746636446, ClinGen allele CA7155603.

ClinVar aggregate classification (germline): Uncertain significance (1 of 4 stars; one submission).

Conditions:
Ectodermal dysplasia and immunodeficiency 2. Identifiers: Orphanet 238468, Orphanet 98813, MedGen C2677481, MONDO:0012806, OMIM 612132.

Allele frequency attached by ClinVar (database versions not stated): ExAC 0.00004.

Submission:

Labcorp Genetics (formerly Invitae), Labcorp
Classification: Uncertain significance for Ectodermal dysplasia and immunodeficiency 2. Last evaluated: 2019-08-19. Review status: criteria provided, single submitter. Criteria: Invitae Variant Classification Sherloc (09022015). Collection method: clinical testing. Allele origin: germline.
Comment: In summary, the available evidence is currently insufficient to determine the role of this variant in disease. Therefore, it has been classified as a Variant of Uncertain Significance. Algorithms developed to predict the effect of missense changes on protein structure and function (SIFT, PolyPhen-2, Align-GVGD) all suggest that this variant is likely to be tolerated, but these predictions have not been confirmed by published functional studies and their clinical significance is uncertain. This variant has not been reported in the literature in individuals with NFKBIA-related conditions. This variant is present in population databases (rs746636446, ExAC 0.06%). This sequence change replaces aspartic acid with asparagine at codon 18 of the NFKBIA protein (p.Asp18Asn). The aspartic acid residue is moderately conserved and there is a small physicochemical difference between aspartic acid and asparagine.